The following is an entry in ClinVar:

ClinVar aggregate classification (germline): Conflicting classifications of pathogenicity. Review status: criteria provided, conflicting classifications (1 of 4 stars). 4 submissions from 4 submitters: Uncertain significance (1); Likely benign (2). 1 of the submissions does not count toward it. Last evaluated 2026-02-03.

Conditions:
Dilated cardiomyopathy 1G (CMD1G). Identifiers: Orphanet 154, MedGen C1858763, MONDO:0011400, OMIM 604145.
Autosomal recessive limb-girdle muscular dystrophy type 2J (LGMDR10). Also called: Limb-girdle muscular dystrophy, type 2J; MUSCULAR DYSTROPHY, LIMB-GIRDLE, AUTOSOMAL RECESSIVE 10. Identifiers: Orphanet 140922, MedGen C1837342, MONDO:0012127, OMIM 608807.
TTN-related disorder. Also called: TTN-related disorders; TTN-related disease; TTN-related condition.
Myopathy, myofibrillar, 9, with early respiratory failure (MFM9). Also called: EDSTROM MYOPATHY; MYOPATHY, PROXIMAL, WITH EARLY RESPIRATORY MUSCLE INVOLVEMENT; Hereditary myopathy with early respiratory failure; Myopathy, distal, with early respiratory failure, autosomal dominant. Identifiers: Orphanet 178464, Orphanet 34521, MedGen C1863599, MONDO:0011362, OMIM 603689.

Allele frequency attached by ClinVar (database versions not stated): gnomAD 0.00008 and 0.00009; TOPMed 0.00013; ExAC 0.00017; gnomAD exomes 0.00019; 1000 Genomes Project 30x 0.00031; 1000 Genomes Project 0.00040.
gnomAD v4.1: 52 of 1,603,650 alleles (0.0032%); highest among the groups gnomAD compares: East Asian, 0.1%; no homozygotes.

Submissions (4):

Labcorp Genetics (formerly Invitae), Labcorp
Classification: Likely benign for Dilated cardiomyopathy 1G; Autosomal recessive limb-girdle muscular dystrophy type 2J. Last evaluated: 2026-02-03. Review status: criteria provided, single submitter. Criteria: Invitae Variant Classification Sherloc (09022015). Collection method: clinical testing. Allele origin: germline.

Baylor Genetics
Classification: Uncertain significance for Myopathy, myofibrillar, 9, with early respiratory failure. Last evaluated: 2018-12-26. Review status: criteria provided, single submitter. Criteria: ACMG Guidelines, 2015. Collection method: clinical testing. Allele origin: paternal. Affected: yes.
Comment: This variant was determined to be of uncertain significance according to ACMG Guidelines, 2015 [PMID:25741868].

GeneDx
Classification: Likely benign. Last evaluated: 2017-12-27. Review status: criteria provided, single submitter. Criteria: GeneDx Variant Classification (06012015). Collection method: clinical testing. Allele origin: germline. Affected: yes.
Comment: This variant is considered likely benign or benign based on one or more of the following criteria: it is a conservative change, it occurs at a poorly conserved position in the protein, it is predicted to be benign by multiple in silico algorithms, and/or has population frequency not consistent with disease.

PreventionGenetics, part of Exact Sciences
Classification: Likely benign for TTN-related condition. Last evaluated: 2024-07-29. Review status: no assertion criteria provided. Collection method: clinical testing. Allele origin: germline. Not counted in ClinVar's aggregate classification.
Comment: This variant is classified as likely benign based on ACMG/AMP sequence variant interpretation guidelines (Richards et al. 2015 PMID: 25741868, with internal and published modifications).

NM_001267550.2(TTN):c.26221A>G (p.Lys8741Glu)

Gene: TTN (titin; minus strand). Cytogenetic location: 2q31.2.
Variant type: single nucleotide variant.
Coding change: c.26221A>G on transcript NM_001267550.2 (MANE Select); coding-DNA position 26221, A replaced by G.
Protein change: p.Lys8741Glu; replaces lysine 8741 with glutamic acid.
Molecular consequence: missense variant. On other transcripts: intron variant (3).
Genome position (GRCh38, 1-based): chr2:178,714,553, T>C on the plus strand (A>G on the coding strand, the complement: TTN is on the minus strand). VCF-style: chr2-178714553-T-C. GRCh37 (hg19) VCF-style: chr2-179579280-T-C.
Other names: p.K8424E:AAG>GAG; c.25270A>G, p.Lys8424Glu (NM_001256850.1); c.22489A>G, p.Lys7497Glu (NM_133378.4); c.13282+23529A>G (NM_003319.4); c.13858+23529A>G (NM_133437.4); c.13657+23529A>G (NM_133432.3); short protein forms K8424E, K8741E, K7497E.
Identifiers: ClinVar variation 203345 (VCV000203345.14), dbSNP rs538959125, ClinGen allele CA312103.